The following is an entry in ClinVar:

ClinVar aggregate classification (germline): Likely benign. Review status: criteria provided, multiple submitters, no conflicts (2 of 4 stars). 2 submissions from 2 submitters: Likely benign (2). Last evaluated 2025-01-20.

Conditions:
HNSHA due to aldolase A deficiency (GSD12). Also called: GLYCOGEN STORAGE DISEASE XII; GSD XII; Glycogen storage disease due to aldolase A deficiency; RED CELL ALDOLASE DEFICIENCY. Identifiers: Orphanet 57, MedGen C0272066, MONDO:0012747, OMIM 611881.

Allele frequency attached by ClinVar (database versions not stated): gnomAD 0.00002 and 0.00003; TOPMed 0.00002; gnomAD exomes 0.00006 and 0.00009; ESP Exome Variant Server 0.00008; ExAC 0.00012.
gnomAD v4.1: 97 of 1,614,072 alleles (0.006%); highest among the groups gnomAD compares: South Asian, 0.035%; 1 homozygote.

Submissions (3):

Labcorp Genetics (formerly Invitae), Labcorp
Classification: Likely benign for HNSHA due to aldolase A deficiency. Last evaluated: 2025-01-20. Review status: criteria provided, single submitter. Criteria: Invitae Variant Classification Sherloc (09022015). Collection method: clinical testing. Allele origin: germline.

GeneDx
Classification: Likely benign. Last evaluated: 2017-07-28. Review status: criteria provided, single submitter. Criteria: GeneDx Variant Classification (06012015). Collection method: clinical testing. Allele origin: germline. Affected: yes.
Comment: This variant is considered likely benign or benign based on one or more of the following criteria: it is a conservative change, it occurs at a poorly conserved position in the protein, it is predicted to be benign by multiple in silico algorithms, and/or has population frequency not consistent with disease.

Dr. Peter K. Rogan Lab, Western University
No classification provided (evidence only). Condition: Sarcoma. Review status: no classification provided. Collection method: in vitro. Allele origin: not applicable. Functional consequence: retained intron. Not counted in ClinVar's aggregate classification.

NM_001243177.4(ALDOA):c.498C>T (p.Gly166=)

Genes: ALDOA (aldolase, fructose-bisphosphate A; plus strand), LOC112694756 (uncharaterized LOC112694756; plus strand). Cytogenetic location: 16p11.2.
Variant type: single nucleotide variant.
Coding change: c.498C>T on transcript NM_001243177.4 (MANE Select); coding-DNA position 498, C replaced by T.
Protein change: p.Gly166=; no amino-acid change (glycine 166 retained).
Molecular consequence: synonymous variant. On other transcripts: 3 prime UTR variant (3).
Genome position (GRCh38, 1-based): chr16:30,068,657, C>T. VCF-style: chr16-30068657-C-T. GRCh37 (hg19) VCF-style: chr16-30079978-C-T.
Other names: c.*845C>T (NM_001365304.2, NM_001365305.2, NM_001365307.2); c.336C>T, p.Gly112= (NM_001127617.2, NM_184041.5, NM_184043.2).
Identifiers: ClinVar variation 510858 (VCV000510858.5), dbSNP rs145811469, ClinGen allele CA8000955.